The following is an entry in ClinVar:

ClinVar aggregate classification (germline): Uncertain significance. Review status: criteria provided, multiple submitters, no conflicts (2 of 4 stars). 2 submissions from 2 submitters: Uncertain significance (2). Last evaluated 2025-02-27.

Conditions:
Primary dilated cardiomyopathy (DCM). Also called: Dilated Cardiomyopathy. Identifiers: Orphanet 217604, MedGen C0007193, MeSH D002311, MONDO:0005021, HP:0001644. Inheritance: Various modes of inheritance.

Submissions (2):

Labcorp Genetics (formerly Invitae), Labcorp
Classification: Uncertain significance for Primary dilated cardiomyopathy. Last evaluated: 2025-02-27. Review status: criteria provided, single submitter. Criteria: Invitae Variant Classification Sherloc (09022015). Collection method: clinical testing. Allele origin: germline.
Comment: This sequence change creates a premature translational stop signal (p.Ile93Leufs*50) in the NEBL gene. It is expected to result in an absent or disrupted protein product. However, the current clinical and genetic evidence is not sufficient to establish whether loss-of-function variants in NEBL cause disease. This variant is not present in population databases (gnomAD no frequency). This variant has not been reported in the literature in individuals affected with NEBL-related conditions. ClinVar contains an entry for this variant (Variation ID: 451053). In summary, the available evidence is currently insufficient to determine the role of this variant in disease. Therefore, it has been classified as a Variant of Uncertain Significance.

GeneDx
Classification: Uncertain significance. Last evaluated: 2017-08-17. Review status: criteria provided, single submitter. Criteria: GeneDx Variant Classification (06012015). Collection method: clinical testing. Allele origin: germline. Affected: yes.
Comment: A variant of uncertain significance has been identified in the NEBL gene. The c.276delC variant has not been published as pathogenic or been reported as benign to our knowledge. This variant is also not observed in large population cohorts (Lek et al., 2016; 1000 Genomes Consortium et al., 2015; Exome Variant Server). The c.276delC variant causes a shift in reading frame starting at codon isoleucine 93, changing it to a leucine, and creating a premature stop codon at position 50 of the new reading frame, denoted p.Ile93LeufsX50. This variant is expected to result in either an abnormal, truncated protein product or loss of protein from this allele through nonsense-mediated mRNA decay. However, no loss of function variants in the NEBL gene have been reported in HGMD in association with disease (Stenson et al., 2014), indicating haploinsufficiency of the NEBL gene may not be sufficient to cause cardiomyopathy.

NM_006393.3(NEBL):c.276del (p.Ile93fs)

Gene: NEBL (nebulette; minus strand). Cytogenetic location: 10p12.31.
Variant type: Deletion.
Coding change: c.276del on transcript NM_006393.3 (MANE Select); coding-DNA position 276, one base deleted (C; older notation c.276delC).
Protein change: p.Ile93fs; shifts the reading frame from isoleucine 93.
Molecular consequence: frameshift variant. On other transcripts: intron variant (9).
Genome position (GRCh38, 1-based): chr10:20,888,190, G deleted on the plus strand (C on the coding strand, the reverse complement: NEBL is on the minus strand); the first of 2 consecutive G bases (chr10:20,888,190-20,888,191); deleting either gives the same sequence. VCF-style (leftmost placement, unchanged base first): chr10-20888189-TG-T. GRCh37 (hg19) VCF-style: chr10-21177118-TG-T.
Other names: c.249+73482del (NM_001377326.1, NM_001377327.1, NM_001377328.1); c.357+73482del (NM_213569.2, NM_001173484.2, NM_001377322.1); c.300+73482del (NM_001377324.1); c.291+73482del (NM_001377325.1); c.309+73482del (NM_001377323.1); c.276delC (NM_006393.2); short protein forms I93fs.
Identifiers: ClinVar variation 451053 (VCV000451053.3), dbSNP rs1554799292, ClinGen allele CA658657955.